The following is an entry in ClinVar:

NM_004990.4(MARS1):c.1422G>C (p.Trp474Cys)

Gene: MARS1 (methionyl-tRNA synthetase 1; plus strand). Cytogenetic location: 12q13.3.
Variant type: single nucleotide variant.
Coding change: c.1422G>C on transcript NM_004990.4 (MANE Select); coding-DNA position 1422, G replaced by C.
Protein change: p.Trp474Cys; replaces tryptophan 474 with cysteine.
Molecular consequence: missense variant.
Genome position (GRCh38, 1-based): chr12:57,511,751, G>C. VCF-style: chr12-57511751-G-C. GRCh37 (hg19) VCF-style: chr12-57905534-G-C.
Other names: short protein forms W474C.
Identifiers: ClinVar variation 1681736 (VCV001681736.10), dbSNP rs781462684, ClinGen allele CA6650515.
Genomic context (GRCh38, chr12:57,511,751, plus strand): 5'-ATCTCAGCTGGAGAAGCGACTGGAGGAGTGGTTGGGGAGGACATTGCCTGGCAGTGACTG[G>C]ACACCCAATGCCCAGTTTATCACCCGTTCTTGGCTTCGGGATGGCCTCAAGCCACGCTGC-3'
Protein context (NP_004981.2, residues 464-484): WLGRTLPGSD[Trp474Cys]TPNAQFITRS

ClinVar aggregate classification (germline): Conflicting classifications of pathogenicity. Review status: criteria provided, conflicting classifications (1 of 4 stars). 3 submissions from 3 submitters: Uncertain significance (1); Likely benign (2). Last evaluated 2026-04-01.

Conditions:
Severe early-onset pulmonary alveolar proteinosis due to MARS deficiency. Also called: PULMONARY ALVEOLAR PROTEINOSIS, REUNION ISLAND; Interstitial lung and liver disease. Identifiers: Orphanet 440427, MedGen C4225400, MONDO:0014206, OMIM 615486.
Charcot-Marie-Tooth disease axonal type 2U. Also called: CHARCOT-MARIE-TOOTH NEUROPATHY, TYPE 2U; CHARCOT-MARIE-TOOTH DISEASE, AXONAL, AUTOSOMAL DOMINANT, TYPE 2U. Identifiers: Orphanet 397735, MedGen C4084821, MONDO:0014566, OMIM 616280.

Allele frequency attached by ClinVar (database versions not stated): ExAC 0.00002; gnomAD exomes 0.00002 and 0.00003; TOPMed 0.00003; gnomAD 0.00001.
gnomAD v4.1: 12 of 1,614,080 alleles (0.00074%); highest among the groups gnomAD compares: Admixed American, 0.015%; no homozygotes.

Submissions (3):

CeGaT Center for Human Genetics Tuebingen
Classification: Likely benign. Last evaluated: 2026-04-01. Review status: criteria provided, single submitter. Criteria: CeGaT Center For Human Genetics Tuebingen Variant Classification Criteria Version 2. Collection method: clinical testing. Allele origin: germline. Affected: yes. Observed: 1 variant allele.
Comment: MARS1: BP5

Labcorp Genetics (formerly Invitae), Labcorp
Classification: Uncertain significance for Charcot-Marie-Tooth disease axonal type 2U; Severe early-onset pulmonary alveolar proteinosis due to MARS deficiency. Last evaluated: 2024-07-23. Review status: criteria provided, single submitter. Criteria: Invitae Variant Classification Sherloc (09022015). Collection method: clinical testing. Allele origin: germline.
Comment: This sequence change replaces tryptophan, which is neutral and slightly polar, with cysteine, which is neutral and slightly polar, at codon 474 of the MARS protein (p.Trp474Cys). This variant is present in population databases (rs781462684, gnomAD 0.01%). This variant has not been reported in the literature in individuals affected with MARS-related conditions. ClinVar contains an entry for this variant (Variation ID: 1681736). An algorithm developed to predict the effect of missense changes on protein structure and function (PolyPhen-2) suggests that this variant is likely to be disruptive. In summary, the available evidence is currently insufficient to determine the role of this variant in disease. Therefore, it has been classified as a Variant of Uncertain Significance.

Ambry Genetics
Classification: Likely benign. Last evaluated: 2020-10-01. Review status: criteria provided, single submitter. Criteria: Ambry Variant Classification Scheme 2023. Collection method: clinical testing. Allele origin: germline.